The following is an entry in ClinVar:

ClinVar aggregate classification (germline): Uncertain significance. Review status: criteria provided, multiple submitters, no conflicts (2 of 4 stars). 2 submissions from 2 submitters: Uncertain significance (2). Last evaluated 2023-07-28.

Conditions:
Hereditary cancer-predisposing syndrome. Also called: Tumor predisposition; Hereditary neoplastic syndrome; Neoplastic Syndromes, Hereditary; Hereditary Cancer Syndrome. Identifiers: Orphanet 140162, MedGen C0027672, MeSH D009386, MONDO:0015356.
Cardiovascular phenotype. Identifiers: MedGen CN230736.

Submissions (2):

Ambry Genetics
Classification: Uncertain significance for Cardiovascular phenotype; Hereditary cancer-predisposing syndrome. Last evaluated: 2023-07-28. Review status: criteria provided, single submitter. Criteria: Ambry Variant Classification Scheme 2023. Collection method: clinical testing. Allele origin: germline.
Comment: The p.P807L variant (also known as c.2420C>T), located in coding exon 21 of the LZTR1 gene, results from a C to T substitution at nucleotide position 2420. The proline at codon 807 is replaced by leucine, an amino acid with similar properties. This amino acid position is conserved. In addition, the in silico prediction for this alteration is inconclusive. Since supporting evidence is limited at this time, the clinical significance of this alteration remains unclear.

Labcorp Genetics (formerly Invitae), Labcorp
Classification: Uncertain significance. Last evaluated: 2023-06-09. Review status: criteria provided, single submitter. Criteria: Invitae Variant Classification Sherloc (09022015). Collection method: clinical testing. Allele origin: germline.
Comment: This sequence change replaces proline, which is neutral and non-polar, with leucine, which is neutral and non-polar, at codon 807 of the LZTR1 protein (p.Pro807Leu). This variant is not present in population databases (gnomAD no frequency). This variant has not been reported in the literature in individuals affected with LZTR1-related conditions. Advanced modeling of protein sequence and biophysical properties (such as structural, functional, and spatial information, amino acid conservation, physicochemical variation, residue mobility, and thermodynamic stability) performed at Invitae indicates that this missense variant is not expected to disrupt LZTR1 protein function. In summary, the available evidence is currently insufficient to determine the role of this variant in disease. Therefore, it has been classified as a Variant of Uncertain Significance.

NM_006767.4(LZTR1):c.2420C>T (p.Pro807Leu)

Gene: LZTR1 (leucine zipper like post translational regulator 1; plus strand). Cytogenetic location: 22q11.21.
Variant type: single nucleotide variant.
Coding change: c.2420C>T on transcript NM_006767.4 (MANE Select); coding-DNA position 2420, C replaced by T.
Protein change: p.Pro807Leu; replaces proline 807 with leucine.
Molecular consequence: missense variant.
Genome position (GRCh38, 1-based): chr22:20,997,245, C>T. VCF-style: chr22-20997245-C-T. GRCh37 (hg19) VCF-style: chr22-21351534-C-T.
Other names: c.2420C>T (NM_006767.3); short protein forms P807L.
Identifiers: ClinVar variation 2955845 (VCV002955845.4), dbSNP rs2518626627, ClinGen allele CA410781523.